The following is an entry in ClinVar:

ClinVar aggregate classification (germline): Likely pathogenic (1 of 4 stars; one submission).

Conditions:
Arrhythmogenic right ventricular cardiomyopathy (ARVD). Also called: Arrhythmogenic right ventricular dysplasia; Cardiomyopathy, ARVC; Arrhythmogenic cardiomyopathy; Arrhythmogenic Right Ventricular Cardiomyopathy (ARVC). Identifiers: Orphanet 247, MedGen C0349788, MeSH D019571, MONDO:0016587. Disease mechanism: loss of function. Inheritance: Various modes of inheritance.

Submission:

Laboratory for Molecular Medicine, Mass General Brigham Personalized Medicine
Classification: Likely pathogenic for Arrhythmogenic right ventricular cardiomyopathy. Last evaluated: 2023-02-02. Review status: criteria provided, single submitter. Criteria: ACMG Guidelines, 2015. Collection method: clinical testing. Allele origin: germline.
Comment: The p.Tyr597ThrfsX59 in PKP2 has not been reported in individuals with arrhythmogenic right ventricular cardiomyopathy (ARVC) and was absent from large population databases. This variant is predicted to cause a frameshift, which alters the protein’s amino acid sequence beginning at position 597 and leads to a premature termination codon 59 amino acids downstream. Loss of function of PKP2 is an established disease mechanism. In summary, although additional studies are required to fully establish its clinical significance, this variant meets criteria to be classified as likely pathogenic for autosomal dominant arrhythmogenic right ventricular cardiomyopathy. ACMG/AMP criteria applied: PVS1, PM2_Supporting.

NM_001005242.3(PKP2):c.1657del (p.Tyr553fs)

Gene: PKP2 (plakophilin 2; minus strand). Cytogenetic location: 12p11.21.
Variant type: Deletion.
Coding change: c.1657del on transcript NM_001005242.3 (MANE Select); coding-DNA position 1657, one base deleted (T; older notation c.1657delT).
Protein change: p.Tyr553fs; shifts the reading frame from tyrosine 553.
Molecular consequence: frameshift variant.
Genome position (GRCh38, 1-based): chr12:32,824,062, A deleted on the plus strand (T on the coding strand, the reverse complement: PKP2 is on the minus strand); the first of 2 consecutive A bases (chr12:32,824,062-32,824,063); deleting either gives the same sequence. VCF-style (leftmost placement, unchanged base first): chr12-32824061-TA-T. GRCh37 (hg19) VCF-style: chr12-32976995-TA-T.
Other names: c.1657del, p.Tyr553fs (NM_001407155.1, NM_001407156.1, NM_001407161.1); c.1789del, p.Tyr597fs (NM_001407157.1, NM_004572.4); c.1330del, p.Tyr444fs (NM_001407158.1, NM_001407159.1, NM_001407160.1 and 1 more transcripts); short protein forms Y444fs, Y553fs, Y597fs.
Identifiers: ClinVar variation 3075933 (VCV003075933.1), dbSNP rs1484820531, ClinGen allele CA604225979.